The following is an entry in ClinVar:

ClinVar aggregate classification (germline): Benign (1 of 4 stars; one submission).

Allele frequency attached by ClinVar (database versions not stated): gnomAD 0.17704 and 0.18128; TOPMed 0.18944; 1000 Genomes Project 0.21446; 1000 Genomes Project 30x 0.21861.
gnomAD v4.1: 26,763 of 152,210 alleles (18%); highest among the groups gnomAD compares: African/African-American, 39%; 3,768 homozygotes.

Submission:

GeneDx
Classification: Benign. Last evaluated: 2018-06-14. Review status: criteria provided, single submitter. Criteria: GeneDx Variant Classification (06012015). Collection method: clinical testing. Allele origin: germline. Affected: yes.
Comment: This variant is considered likely benign or benign based on one or more of the following criteria: it is a conservative change, it occurs at a poorly conserved position in the protein, it is predicted to be benign by multiple in silico algorithms, and/or has population frequency not consistent with disease.

NM_001258392.3(CLPB):c.1329+165T>C

Genes: CLPB (ClpB family mitochondrial disaggregase; minus strand), LOC126861258 (MED14-independent group 3 enhancer GRCh37_chr11:72012242-72013441; plus strand). Cytogenetic location: 11q13.4.
Variant type: single nucleotide variant.
Coding change: c.1329+165T>C on transcript NM_001258392.3 (MANE Select); 165 bases into the intron after coding-DNA position 1329, T replaced by C.
Molecular consequence: intron variant.
Genome position (GRCh38, 1-based): chr11:72,301,638, A>G on the plus strand (T>C on the coding strand, the complement: CLPB is on the minus strand). VCF-style: chr11-72301638-A-G. GRCh37 (hg19) VCF-style: chr11-72012682-A-G.
Other names: c.1242+165T>C (NM_001258393.3); c.1419+165T>C (NM_030813.6); c.1284+165T>C (NM_001258394.3).
Identifiers: ClinVar variation 683866 (VCV000683866.1), dbSNP rs3750906, ClinGen allele CA13506093.